The following is an entry in ClinVar:

ClinVar aggregate classification (germline): Uncertain significance (1 of 4 stars; one submission).

Submission:

CeGaT Center for Human Genetics Tuebingen
Classification: Uncertain significance. Last evaluated: 2023-06-01. Review status: criteria provided, single submitter. Criteria: CeGaT Center For Human Genetics Tuebingen Variant Classification Criteria Version 2. Collection method: clinical testing. Allele origin: germline. Affected: yes. Observed: 1 variant allele.
Comment: NFATC2: PM2

NM_012340.5(NFATC2):c.1151C>G (p.Pro384Arg)

Gene: NFATC2 (nuclear factor of activated T cells 2; minus strand). Cytogenetic location: 20q13.2.
Variant type: single nucleotide variant.
Coding change: c.1151C>G on transcript NM_012340.5 (MANE Select); coding-DNA position 1151, C replaced by G.
Protein change: p.Pro384Arg; replaces proline 384 with arginine.
Molecular consequence: missense variant.
Genome position (GRCh38, 1-based): chr20:51,523,090, G>C on the plus strand (C>G on the coding strand, the complement: NFATC2 is on the minus strand). VCF-style: chr20-51523090-G-C. GRCh37 (hg19) VCF-style: chr20-50139629-G-C.
Other names: c.1091C>G, p.Pro364Arg (NM_001136021.3, NM_001258292.2); c.494C>G, p.Pro165Arg (NM_001258294.2, NM_001258295.2, NM_001258296.2 and 1 more transcripts); c.1151C>G, p.Pro384Arg (NM_173091.4); short protein forms P165R, P364R, P384R.
Identifiers: ClinVar variation 2652408 (VCV002652408.24), dbSNP rs2516115660, ClinGen allele CA408995102.